The following is an entry in ClinVar:

NM_198525.3(KIF7):c.2735A>G (p.Lys912Arg)

Gene: KIF7 (kinesin family member 7; minus strand). Cytogenetic location: 15q26.1.
Variant type: single nucleotide variant.
Coding change: c.2735A>G on transcript NM_198525.3 (MANE Select); coding-DNA position 2735, A replaced by G.
Protein change: p.Lys912Arg; replaces lysine 912 with arginine.
Molecular consequence: missense variant.
Genome position (GRCh38, 1-based): chr15:89,632,980, T>C on the plus strand (A>G on the coding strand, the complement: KIF7 is on the minus strand). VCF-style: chr15-89632980-T-C. GRCh37 (hg19) VCF-style: chr15-90176211-T-C.
Other names: short protein forms K912R.
Identifiers: ClinVar variation 571167 (VCV000571167.8), dbSNP rs764430327, ClinGen allele CA7727963.

ClinVar aggregate classification (germline): Uncertain significance. Review status: criteria provided, multiple submitters, no conflicts (2 of 4 stars). 3 submissions from 3 submitters: Uncertain significance (3). Last evaluated 2025-04-19.

Conditions:
Inborn genetic diseases. Identifiers: MedGen C0950123, MeSH D030342.
Acrocallosal syndrome (ACLS). Also called: HALLUX DUPLICATION, POSTAXIAL POLYDACTYLY, AND ABSENCE OF CORPUS CALLOSUM; Schinzel syndrome 1; Absence of corpus callosum with unusual facial appearance, mental deficiency, duplication of the halluces and polydactyly. Identifiers: Orphanet 36, MedGen C0796147, MONDO:0008708, OMIM 200990.
Multiple epiphyseal dysplasia, Al-Gazali type. Also called: Macrocephaly with multiple epiphyseal dysplasia and distinctive facies. Identifiers: Orphanet 166024, MedGen C1846722, MONDO:0011778, OMIM 607131.
Hydrolethalus syndrome 2 (HLS2). Identifiers: Orphanet 2189, MedGen C3279899, MONDO:0013585, OMIM 614120.

Allele frequency attached by ClinVar (database versions not stated): TOPMed 0.00001; gnomAD exomes 0.00003; ExAC 0.00005.

Submissions (3):

Ambry Genetics
Classification: Uncertain significance for Inborn genetic diseases. Last evaluated: 2025-04-19. Review status: criteria provided, single submitter. Criteria: Ambry Variant Classification Scheme 2023. Collection method: clinical testing. Allele origin: germline.

Fulgent Genetics
Classification: Uncertain significance for Acrocallosal syndrome; Multiple epiphyseal dysplasia, Al-Gazali type; Hydrolethalus syndrome 2. Last evaluated: 2024-02-19. Review status: criteria provided, single submitter. Criteria: ACMG Guidelines, 2015. Collection method: clinical testing. Allele origin: germline.

Labcorp Genetics (formerly Invitae), Labcorp
Classification: Uncertain significance for Acrocallosal syndrome. Last evaluated: 2021-08-28. Review status: criteria provided, single submitter. Criteria: Invitae Variant Classification Sherloc (09022015). Collection method: clinical testing. Allele origin: germline.
Comment: This sequence change replaces lysine with arginine at codon 912 of the KIF7 protein (p.Lys912Arg). The lysine residue is highly conserved and there is a small physicochemical difference between lysine and arginine. This variant is present in population databases (rs764430327, ExAC 0.02%). This variant has not been reported in the literature in individuals affected with KIF7-related conditions. Algorithms developed to predict the effect of missense changes on protein structure and function are either unavailable or do not agree on the potential impact of this missense change (SIFT: "Deleterious"; PolyPhen-2: "Probably Damaging"; Align-GVGD: "Class C0"). In summary, the available evidence is currently insufficient to determine the role of this variant in disease. Therefore, it has been classified as a Variant of Uncertain Significance.